The following is an entry in ClinVar:

NM_001710.6(CFB):c.450A>G (p.Arg150=)

Gene: CFB (complement factor B; plus strand). Cytogenetic location: 6p21.33.
Variant type: single nucleotide variant.
Coding change: c.450A>G on transcript NM_001710.6 (MANE Select); coding-DNA position 450, A replaced by G.
Protein change: p.Arg150=; no amino-acid change (arginine 150 retained).
Molecular consequence: synonymous variant.
Genome position (GRCh38, 1-based): chr6:31,947,158, A>G. VCF-style: chr6-31947158-A-G. GRCh37 (hg19) VCF-style: chr6-31914935-A-G.
Other names: p.Arg150=.
Identifiers: ClinVar variation 356272 (VCV000356272.23), dbSNP rs1048709, ClinGen allele CA3728035.
Genomic context (GRCh38, chr6:31,947,158, plus strand): 5'-CTGCTATGACGGTTACACTCTCCGGGGCTCTGCCAATCGCACCTGCCAAGTGAATGGCCG[A>G]TGGAGTGGGCAGACAGCGATCTGTGACAACGGAGGTGAGAAGCATCCCCTCCCCCTACAT-3'
Protein context (NP_001701.2, residues 140-160): SANRTCQVNG[Arg150=]WSGQTAICDN

ClinVar aggregate classification (germline): Benign/Likely benign. Review status: criteria provided, multiple submitters, no conflicts (2 of 4 stars). 9 submissions from 8 submitters: Benign (8); Likely benign (1). Last evaluated 2026-02-04.

Conditions:
Complement factor b deficiency. Identifiers: MedGen C3809950, MONDO:0014255, OMIM 615561.
Atypical hemolytic-uremic syndrome with B factor anomaly. Also called: HEMOLYTIC UREMIC SYNDROME, ATYPICAL, SUSCEPTIBILITY TO, 4; AHUS, SUSCEPTIBILITY TO, 4. Identifiers: Orphanet 2134, MedGen C2752038, MONDO:0013042, OMIM 612924.
Atypical hemolytic-uremic syndrome. Identifiers: Orphanet 2134, MedGen C2931788, MONDO:0016244.

Allele frequency attached by ClinVar (database versions not stated): gnomAD exomes 0.81540 and 0.82377; ExAC 0.83055; gnomAD 0.85132 and 0.85323; TOPMed 0.85491; 1000 Genomes Project 0.85543; 1000 Genomes Project 30x 0.85853; ESP Exome Variant Server 0.86363.
gnomAD v4.1: 1,321,285 of 1,612,792 alleles (82%); highest among the groups gnomAD compares: African/African-American, 96%; 543,746 homozygotes.

Submissions (10):

Labcorp Genetics (formerly Invitae), Labcorp
Classification: Benign. Last evaluated: 2026-02-04. Review status: criteria provided, single submitter. Criteria: Invitae Variant Classification Sherloc (09022015). Collection method: clinical testing. Allele origin: germline.

Women's Health and Genetics/Laboratory Corporation of America, LabCorp
Classification: Benign. Last evaluated: 2026-01-21. Review status: criteria provided, single submitter. Criteria: LabCorp Variant Classification Summary - May 2015. Collection method: clinical testing. Allele origin: germline.

Genomenon, Inc
Classification: Benign for Atypical hemolytic-uremic syndrome. Last evaluated: 2025-09-26. Review status: criteria provided, single submitter. Criteria: Genomenon Sequence Variant Interpretation Standards - Updated. Collection method: curation. Allele origin: germline. Affected: no.
Comment: CFB p.Arg150= (c.450A>G) is a synonymous variant that retains Arginine at residue 150. This variant has been reported in the published literature (PMID:19169232;16061287;30146127;22273503;20090206;30450319). This variant is present at high allele frequency in population databases. In conclusion, we classify CFB p.Arg150= (c.450A>G) as a benign variant.

Blueprint Genetics
Classification: Likely benign. Last evaluated: 2024-11-27. Review status: criteria provided, single submitter. Criteria: ACMG Guidelines, 2015. Collection method: clinical testing. Allele origin: germline.

Mayo Clinic Laboratories, Mayo Clinic
Classification: Benign. Last evaluated: 2022-03-10. Review status: criteria provided, single submitter. Criteria: ACMG Guidelines, 2015. Collection method: clinical testing. Allele origin: germline. Observed: 3,146 variant alleles.

Genome-Nilou Lab
Classification: Benign for Complement factor b deficiency. Last evaluated: 2021-07-22. Review status: criteria provided, single submitter. Criteria: ACMG Guidelines, 2015. Collection method: clinical testing. Allele origin: germline. Affected: no.

Genome-Nilou Lab
Classification: Benign for Atypical hemolytic-uremic syndrome with B factor anomaly. Last evaluated: 2021-07-22. Review status: criteria provided, single submitter. Criteria: ACMG Guidelines, 2015. Collection method: clinical testing. Allele origin: germline. Affected: no.

GeneDx
Classification: Benign. Last evaluated: 2018-11-10. Review status: criteria provided, single submitter. Criteria: GeneDx Variant Classification Process June 2021. Collection method: clinical testing. Allele origin: germline. Affected: yes.

Illumina Laboratory Services, Illumina
Classification: Benign for Atypical hemolytic-uremic syndrome with B factor anomaly. Last evaluated: 2018-01-13. Review status: criteria provided, single submitter. Criteria: ICSL Variant Classification Criteria 13 December 2019. Collection method: clinical testing. Allele origin: germline.
Comment: This variant was observed in the ICSL laboratory as part of a predisposition screen in an ostensibly healthy population. It had not been previously curated by ICSL or reported in the Human Gene Mutation Database (HGMD: prior to June 1st, 2018), and was therefore a candidate for classification through an automated scoring system. Utilizing variant allele frequency, disease prevalence and penetrance estimates, and inheritance mode, an automated score was calculated to assess if this variant is too frequent to cause the disease. Based on the score and internal cut-off values, a variant classified as benign is not then subjected to further curation. The score for this variant resulted in a classification of benign for this disease.

Dr. Peter K. Rogan Lab, Western University
No classification provided (evidence only). Condition: Familial cancer of breast. Review status: no classification provided. Collection method: in vitro. Allele origin: not applicable. Functional consequence: retained intron. Not counted in ClinVar's aggregate classification.

Literature cited by the submitters: PubMed 19169232 (cited by Genomenon, Inc); 16061287 (cited by Genomenon, Inc); 30146127 (cited by Genomenon, Inc); 22273503 (cited by Genomenon, Inc); 20090206 (cited by Genomenon, Inc); 30450319 (cited by Genomenon, Inc).